The following is an entry in ClinVar:

ClinVar aggregate classification (germline): Uncertain significance. Review status: criteria provided, multiple submitters, no conflicts (2 of 4 stars). 3 submissions from 3 submitters: Uncertain significance (3). Last evaluated 2024-10-25.

Conditions:
Inborn genetic diseases. Identifiers: MedGen C0950123, MeSH D030342.

Allele frequency attached by ClinVar (database versions not stated): TOPMed 0.00001; ExAC 0.00003; gnomAD exomes 0.00004.
gnomAD v4.1: 61 of 1,614,100 alleles (0.0038%); highest among the groups gnomAD compares: Admixed American, 0.015%; no homozygotes.

Submissions (3):

Labcorp Genetics (formerly Invitae), Labcorp
Classification: Uncertain significance. Last evaluated: 2024-10-25. Review status: criteria provided, single submitter. Criteria: Invitae Variant Classification Sherloc (09022015). Collection method: clinical testing. Allele origin: germline.
Comment: This sequence change replaces alanine, which is neutral and non-polar, with valine, which is neutral and non-polar, at codon 18 of the PCYT1A protein (p.Ala18Val). This variant is present in population databases (rs746866627, gnomAD 0.01%). This variant has not been reported in the literature in individuals affected with PCYT1A-related conditions. ClinVar contains an entry for this variant (Variation ID: 1346141). Invitae Evidence Modeling of protein sequence and biophysical properties (such as structural, functional, and spatial information, amino acid conservation, physicochemical variation, residue mobility, and thermodynamic stability) indicates that this missense variant is not expected to disrupt PCYT1A protein function with a negative predictive value of 95%. In summary, the available evidence is currently insufficient to determine the role of this variant in disease. Therefore, it has been classified as a Variant of Uncertain Significance.

CeGaT Center for Human Genetics Tuebingen
Classification: Uncertain significance. Last evaluated: 2024-02-01. Review status: criteria provided, single submitter. Criteria: CeGaT Center For Human Genetics Tuebingen Variant Classification Criteria Version 2. Collection method: clinical testing. Allele origin: germline. Affected: yes. Observed: 1 variant allele.
Comment: PCYT1A: PM2, BP4

Ambry Genetics
Classification: Uncertain significance for Inborn genetic diseases. Last evaluated: 2023-09-14. Review status: criteria provided, single submitter. Criteria: Ambry Variant Classification Scheme 2023. Collection method: clinical testing. Allele origin: germline.

NM_001312673.2(PCYT1A):c.53C>T (p.Ala18Val)

Gene: PCYT1A (phosphate cytidylyltransferase 1A, choline; minus strand). Cytogenetic location: 3q29.
Variant type: single nucleotide variant.
Coding change: c.53C>T on transcript NM_001312673.2 (MANE Select); coding-DNA position 53, C replaced by T.
Protein change: p.Ala18Val; replaces alanine 18 with valine.
Molecular consequence: missense variant.
Genome position (GRCh38, 1-based): chr3:196,270,479, G>A on the plus strand (C>T on the coding strand, the complement: PCYT1A is on the minus strand). VCF-style: chr3-196270479-G-A. GRCh37 (hg19) VCF-style: chr3-195997350-G-A.
Other names: c.53C>T, p.Ala18Val (NM_005017.4); c.53C>T (NM_005017.2); short protein forms A18V.
Identifiers: ClinVar variation 1346141 (VCV001346141.29), dbSNP rs746866627, ClinGen allele CA2779666.
Genomic context (GRCh38, chr3:196,270,479, plus strand): 5'-GCACAGCGCTGCACTTTGGAAGGAACCCCATCTTCTTCTGTTGCCCCGTTGGGTCCGGGC[G>A]CCTCTTTTCTCCTCTTCCTTGCATTGACCTTGGCTGAACACTGTGCATCCATCTTCTTTT-3'
Protein context (NP_001299602.1, residues 8-28): KVNARKRRKE[Ala18Val]PGPNGATEED